The following is an entry in ClinVar:

ClinVar aggregate classification (germline): Uncertain significance (1 of 4 stars; one submission).

Conditions:
Hereditary cancer-predisposing syndrome. Also called: Tumor predisposition; Hereditary neoplastic syndrome; Hereditary Cancer Syndrome; Neoplastic Syndromes, Hereditary. Identifiers: Orphanet 140162, MedGen C0027672, MeSH D009386, MONDO:0015356.

gnomAD v4.1: 1 of 1,610,948 alleles (0.000062%); highest among the groups gnomAD compares: Non-Finnish European, 0.000085%; no homozygotes.

Submission:

Ambry Genetics
Classification: Uncertain significance for Hereditary cancer-predisposing syndrome. Last evaluated: 2025-06-13. Review status: criteria provided, single submitter. Criteria: Ambry Variant Classification Scheme 2023. Collection method: clinical testing. Allele origin: germline.
Comment: The p.V292A variant (also known as c.875T>C), located in coding exon 5 of the RET gene, results from a T to C substitution at nucleotide position 875. The valine at codon 292 is replaced by alanine, an amino acid with similar properties. This amino acid position is conserved. In addition, the in silico prediction for this alteration is inconclusive. Based on the available evidence, the clinical significance of this variant remains unclear.

NM_020975.6(RET):c.875T>C (p.Val292Ala)

Gene: RET (ret proto-oncogene; plus strand). Cytogenetic location: 10q11.21.
Variant type: single nucleotide variant.
Coding change: c.875T>C on transcript NM_020975.6 (MANE Select); coding-DNA position 875, T replaced by C.
Protein change: p.Val292Ala; replaces valine 292 with alanine.
Molecular consequence: missense variant. On other transcripts: intron variant (25).
Genome position (GRCh38, 1-based): chr10:43,106,383, T>C. VCF-style: chr10-43106383-T-C. GRCh37 (hg19) VCF-style: chr10-43601831-T-C.
Other names: c.113T>C, p.Val38Ala (NM_001355216.2); c.875T>C, p.Val292Ala (NM_001406743.1, NM_001406744.1, NM_001406759.1 and 4 more transcripts); c.746T>C, p.Val249Ala (NM_001406761.1, NM_001406762.1, NM_001406764.1 and 1 more transcripts); c.587T>C, p.Val196Ala (NM_001406766.1, NM_001406767.1, NM_001406770.1); c.867+1190T>C (NM_001406772.1, NM_001406769.1); c.626-2648T>C (NM_001406773.1, NM_001406771.1); c.625+3754T>C (NM_001406782.1, NM_001406780.1, NM_001406779.1 and 3 more transcripts); c.738+1190T>C (NM_001406774.1); and 5 more; short protein forms V196A, V249A, V292A, V38A.
Identifiers: ClinVar variation 3944721 (VCV003944721.1).